The following is an entry in ClinVar:

NM_013275.6(ANKRD11):c.4083C>G (p.His1361Gln)

Gene: ANKRD11 (ankyrin repeat domain 11; minus strand). Cytogenetic location: 16q24.3.
Variant type: single nucleotide variant.
Coding change: c.4083C>G on transcript NM_013275.6 (MANE Select); coding-DNA position 4083, C replaced by G.
Protein change: p.His1361Gln; replaces histidine 1361 with glutamine.
Molecular consequence: missense variant.
Genome position (GRCh38, 1-based): chr16:89,282,459, G>C on the plus strand (C>G on the coding strand, the complement: ANKRD11 is on the minus strand). VCF-style: chr16-89282459-G-C. GRCh37 (hg19) VCF-style: chr16-89348867-G-C.
Other names: c.4083C>G, p.His1361Gln (NM_001256182.2, NM_001256183.2); short protein forms H1361Q.
Identifiers: ClinVar variation 5017633 (VCV005017633.1).

ClinVar aggregate classification (germline): Uncertain significance (1 of 4 stars; one submission).

Submission:

GeneDx
Classification: Uncertain significance. Last evaluated: 2026-03-28. Review status: criteria provided, single submitter. Criteria: GeneDx Variant Classification Process June 2021. Collection method: clinical testing. Allele origin: germline.
Comment: Not observed at significant frequency in large population cohorts (gnomAD); In silico analysis supports that this missense variant has a deleterious effect on protein structure/function; Has not been previously published as pathogenic or benign to our knowledge